The following is an entry in ClinVar:

ClinVar aggregate classification (germline): Pathogenic (1 of 4 stars; one submission).

Conditions:
Neuromuscular disease caused by qualitative or quantitative defects of dysferlin. Also called: Qualitative or quantitative defects of dysferlin; Dysferlinopathy. Identifiers: Orphanet 207073, MedGen C2931687, MONDO:0016145.

Submission:

Labcorp Genetics (formerly Invitae), Labcorp
Classification: Pathogenic for Neuromuscular disease caused by qualitative or quantitative defects of dysferlin. Last evaluated: 2024-01-05. Review status: criteria provided, single submitter. Criteria: Invitae Variant Classification Sherloc (09022015). Collection method: clinical testing. Allele origin: unknown.
Comment: This variant is a gross deletion of the genomic region encompassing exon(s) 52 of the DYSF gene. This deletion is out-of-frame, and is expected to create a premature termination codon and result in an absent or disrupted protein product. Loss-of-function variants in DYSF are known to be pathogenic (PMID: 17698709, 20301480). A similar copy number variant has been observed in individuals with dysferlinopathy (PMID: 19594366; Invitae). For these reasons, this variant has been classified as Pathogenic.

Literature cited by the submitters: PubMed 17698709; PubMed 20301480; PubMed 19594366.

NC_000002.11:g.(?_71906167)_(71906385_?)del

Gene: DYSF (dysferlin; plus strand). Cytogenetic location: 2p13.2.
Variant type: Deletion.
Identifiers: ClinVar variation 3247367 (VCV003247367.1).